The following is an entry in ClinVar:

ClinVar aggregate classification (germline): Likely pathogenic. Review status: criteria provided, multiple submitters, no conflicts (2 of 4 stars). 2 submissions from 2 submitters: Likely pathogenic (2). Last evaluated 2020-07-07.

Conditions:
Autosomal recessive limb-girdle muscular dystrophy type 2D (LGMDR3). Also called: DUCHENNE-LIKE AUTOSOMAL RECESSIVE MUSCULAR DYSTROPHY, TYPE 2; MUSCULAR DYSTROPHY, LIMB-GIRDLE, AUTOSOMAL RECESSIVE 3; ADHALINOPATHY, PRIMARY. Identifiers: Orphanet 62, MedGen C2936332, MONDO:0011968, OMIM 608099. Disease mechanism: Affects gamma-sarcoglycan and also disrupts the integrity of the entire sarcoglycan complex..

Submissions (2):

Labcorp Genetics (formerly Invitae), Labcorp
Classification: Likely pathogenic for Autosomal recessive limb-girdle muscular dystrophy type 2D. Last evaluated: 2020-07-07. Review status: criteria provided, single submitter. Criteria: Invitae Variant Classification Sherloc (09022015). Collection method: clinical testing. Allele origin: germline.
Comment: Algorithms developed to predict the effect of sequence changes on RNA splicing suggest that this variant may disrupt the consensus splice site, but this prediction has not been confirmed by published transcriptional studies. This variant has not been reported in the literature in individuals with SGCA-related conditions. This variant is not present in population databases (ExAC no frequency). This sequence change affects a donor splice site in intron 1 of the SGCA gene. It is expected to disrupt RNA splicing and likely results in an absent or disrupted protein product. In summary, the currently available evidence indicates that the variant is pathogenic, but additional data are needed to prove that conclusively. Therefore, this variant has been classified as Likely Pathogenic. Donor and acceptor splice site variants typically lead to a loss of protein function (PMID: 16199547), and loss-of-function variants in SGCA are known to be pathogenic (PMID: 9192266).

Revvity Omics, Revvity
Classification: Likely pathogenic for Autosomal recessive limb-girdle muscular dystrophy type 2D. Last evaluated: 2019-08-13. Review status: criteria provided, single submitter. Criteria: ACMG Guidelines, 2015. Collection method: clinical testing. Allele origin: germline.

Literature cited by the submitters: PubMed 16199547 (cited by Labcorp Genetics (formerly Invitae), Labcorp); PubMed 9192266 (cited by Labcorp Genetics (formerly Invitae), Labcorp).

NM_000023.4(SGCA):c.37+1G>C

Gene: SGCA (sarcoglycan alpha; plus strand). Cytogenetic location: 17q21.33.
Variant type: single nucleotide variant.
Coding change: c.37+1G>C on transcript NM_000023.4 (MANE Select); the canonical splice donor site of the intron after coding-DNA position 37, G replaced by C.
Molecular consequence: splice donor variant.
Genome position (GRCh38, 1-based): chr17:50,166,078, G>C. VCF-style: chr17-50166078-G-C. GRCh37 (hg19) VCF-style: chr17-48243439-G-C.
Other names: c.37+1G>C (NM_001135697.3).
Identifiers: ClinVar variation 1066846 (VCV001066846.10), dbSNP rs111386656, ClinGen allele CA400210792.